The following is an entry in ClinVar:

ClinVar aggregate classification (germline): Uncertain significance (1 of 4 stars; one submission).

gnomAD v4.1: 2 of 1,612,958 alleles (0.00012%); highest among the groups gnomAD compares: South Asian, 0.0011%; no homozygotes.

Submission:

Labcorp Genetics (formerly Invitae), Labcorp
Classification: Uncertain significance. Last evaluated: 2024-02-14. Review status: criteria provided, single submitter. Criteria: Invitae Variant Classification Sherloc (09022015). Collection method: clinical testing. Allele origin: germline.
Comment: This sequence change affects a donor splice site in intron 32 of the A2ML1 gene. It is expected to disrupt RNA splicing. Variants that disrupt the donor or acceptor splice site typically lead to a loss of protein function (PMID: 16199547), however the current clinical and genetic evidence is not sufficient to establish whether loss-of-function variants in A2ML1 cause disease. This variant is not present in population databases (gnomAD no frequency). This variant has not been reported in the literature in individuals affected with A2ML1-related conditions. Algorithms developed to predict the effect of sequence changes on RNA splicing suggest that this variant may disrupt the consensus splice site. In summary, the available evidence is currently insufficient to determine the role of this variant in disease. Therefore, it has been classified as a Variant of Uncertain Significance.

Literature cited by the submitters: PubMed 16199547.

NM_144670.6(A2ML1):c.4152+1G>T

Gene: A2ML1 (alpha-2-macroglobulin like 1; plus strand). Cytogenetic location: 12p13.31.
Variant type: single nucleotide variant.
Coding change: c.4152+1G>T on transcript NM_144670.6 (MANE Select); the canonical splice donor site of the intron after coding-DNA position 4152, G replaced by T.
Molecular consequence: splice donor variant.
Genome position (GRCh38, 1-based): chr12:8,868,628, G>T. VCF-style: chr12-8868628-G-T. GRCh37 (hg19) VCF-style: chr12-9021224-G-T.
Other names: c.2679+1G>T (NM_001282424.3).
Identifiers: ClinVar variation 3640946 (VCV003640946.2).